The following is an entry in ClinVar:

ClinVar aggregate classification (germline): Uncertain significance (1 of 4 stars; one submission).

Conditions:
Familial adenomatous polyposis 1 (FAP1). Also called: FAMILIAL ADENOMATOUS POLYPOSIS 1, ATTENUATED; POLYPOSIS, ADENOMATOUS INTESTINAL. Identifiers: MedGen C2713442, MONDO:0021056, OMIM 175100. Disease mechanism: loss of function.

Submission:

Labcorp Genetics (formerly Invitae), Labcorp
Classification: Uncertain significance for Familial adenomatous polyposis 1. Last evaluated: 2025-10-21. Review status: criteria provided, single submitter. Criteria: Invitae Variant Classification Sherloc (09022015). Collection method: clinical testing. Allele origin: germline.
Comment: This variant occurs in a non-coding region of the APC gene. It does not change the encoded amino acid sequence of the APC protein. This variant is not present in population databases (gnomAD no frequency). This variant has not been reported in the literature in individuals affected with APC-related conditions. Experimental studies and prediction algorithms are not available or were not evaluated, and the functional significance of this variant is currently unknown. In summary, the available evidence is currently insufficient to determine the role of this variant in disease. Therefore, it has been classified as a Variant of Uncertain Significance.

NM_001127511.3(APC):c.-138C>T

Gene: APC (APC regulator of Wnt signaling pathway; plus strand). Cytogenetic location: 5q22.2.
Variant type: single nucleotide variant.
Coding change: c.-138C>T on transcript NM_001127511.3; 138 bases upstream of the start codon, C replaced by T.
Molecular consequence: 5 prime UTR variant. On other transcripts: non-coding transcript variant (2).
Genome position (GRCh38, 1-based): chr5:112,707,580, C>T. VCF-style: chr5-112707580-C-T. GRCh37 (hg19) VCF-style: chr5-112043277-C-T.
Other names: c.-321C>T (NM_001354895.2, NM_001407447.1, NM_001407452.1 and 3 more transcripts); c.-138C>T (NM_001354897.2, NM_001354902.2, NM_001407446.1); c.-88C>T (NM_001407448.1, NM_001407450.1, NM_001407457.1 and 1 more transcripts); c.-112C>T (NM_001407453.1); c.-1356C>T (NM_001407470.1, NM_001407472.1).
Identifiers: ClinVar variation 1051702 (VCV001051702.9), dbSNP rs1259973377, ClinGen allele CA2499217391.
Genomic context (GRCh38, chr5:112,707,580, plus strand): 5'-CACAAGATGGCGGAGGGCAAGTAGCAAGGGGGCGGGGTGTGGCCGCCGGAAGCCTAGCCG[C>T]TGCTCGGGGGGGACCTGCGGGCTCAGGCCCGGGAGCTGCGGACCGAGGTTGGCTCGATGC-3'